The following is an entry in ClinVar:

NM_001394998.1(TANC2):c.5806A>G (p.Thr1936Ala)

Gene: TANC2 (tetratricopeptide repeat, ankyrin repeat and coiled-coil containing 2; plus strand). Cytogenetic location: 17q23.3.
Variant type: single nucleotide variant.
Coding change: c.5806A>G on transcript NM_001394998.1 (MANE Select); coding-DNA position 5806, A replaced by G.
Protein change: p.Thr1936Ala; replaces threonine 1936 with alanine.
Molecular consequence: missense variant.
Genome position (GRCh38, 1-based): chr17:63,421,536, A>G. VCF-style: chr17-63421536-A-G. GRCh37 (hg19) VCF-style: chr17-61498897-A-G.
Other names: c.5584A>G, p.Thr1862Ala (NM_001411076.1); c.5554A>G, p.Thr1852Ala (NM_025185.4); short protein forms T1852A, T1862A, T1936A.
Identifiers: ClinVar variation 3896005 (VCV003896005.1).

ClinVar aggregate classification (germline): Uncertain significance (1 of 4 stars; one submission).

Submission:

Women's Health and Genetics/Laboratory Corporation of America, LabCorp
Classification: Uncertain significance. Last evaluated: 2025-03-31. Review status: criteria provided, single submitter. Criteria: LabCorp Variant Classification Summary - May 2015. Collection method: clinical testing. Allele origin: germline.
Comment: Variant summary: TANC2 c.5554A>G (p.Thr1852Ala) results in a non-conservative amino acid change in the encoded protein sequence. Three of five in-silico tools predict a benign effect of the variant on protein function. The variant was absent in 248980 control chromosomes. The available data on variant occurrences in the general population are insufficient to allow any conclusion about variant significance. To our knowledge, no occurrence of c.5554A>G in individuals affected with Intellectual Developmental Disorder With Autistic Features And Language Delay, With Or Without Seizures and no experimental evidence demonstrating its impact on protein function have been reported. No submitters have cited clinical-significance assessments for this variant to ClinVar. Based on the evidence outlined above, the variant was classified as uncertain significance.